The following is an entry in ClinVar:

ClinVar aggregate classification (germline): Uncertain significance. Review status: criteria provided, multiple submitters, no conflicts (2 of 4 stars). 4 submissions from 3 submitters: Uncertain significance (4). Last evaluated 2023-02-08.

Conditions:
Seckel syndrome 1 (SCKL1). Also called: MICROCEPHALIC PRIMORDIAL DWARFISM I. Identifiers: Orphanet 808, MedGen C4551474, MONDO:0008869, OMIM 210600.
Inborn genetic diseases. Identifiers: MedGen C0950123, MeSH D030342.
Familial cutaneous telangiectasia and oropharyngeal predisposition cancer syndrome. Identifiers: Orphanet 313846, MedGen C3281203, MONDO:0013806, OMIM 614564.

Submissions (4):

Genome-Nilou Lab
Classification: Uncertain significance for Seckel syndrome 1. Last evaluated: 2023-02-08. Review status: criteria provided, single submitter. Criteria: ACMG Guidelines, 2015. Collection method: clinical testing. Allele origin: germline.

Genome-Nilou Lab
Classification: Uncertain significance for Familial cutaneous telangiectasia and oropharyngeal predisposition cancer syndrome. Last evaluated: 2023-02-08. Review status: criteria provided, single submitter. Criteria: ACMG Guidelines, 2015. Collection method: clinical testing. Allele origin: germline.

Ambry Genetics
Classification: Uncertain significance for Inborn genetic diseases. Last evaluated: 2021-11-06. Review status: criteria provided, single submitter. Criteria: Ambry Variant Classification Scheme 2023. Collection method: clinical testing. Allele origin: germline.
Comment: The p.V530A variant (also known as c.1589T>C), located in coding exon 7 of the ATR gene, results from a T to C substitution at nucleotide position 1589. The valine at codon 530 is replaced by alanine, an amino acid with similar properties. This amino acid position is conserved. In addition, this alteration is predicted to be tolerated by in silico analysis. Since supporting evidence is limited at this time, the clinical significance of this alteration remains unclear.

Labcorp Genetics (formerly Invitae), Labcorp
Classification: Uncertain significance. Last evaluated: 2020-12-10. Review status: criteria provided, single submitter. Criteria: Invitae Variant Classification Sherloc (09022015). Collection method: clinical testing. Allele origin: germline.
Comment: In summary, the available evidence is currently insufficient to determine the role of this variant in disease. Therefore, it has been classified as a Variant of Uncertain Significance. Algorithms developed to predict the effect of missense changes on protein structure and function (SIFT, PolyPhen-2, Align-GVGD) all suggest that this variant is likely to be tolerated, but these predictions have not been confirmed by published functional studies and their clinical significance is uncertain. This variant has not been reported in the literature in individuals with ATR-related conditions. This variant is not present in population databases (ExAC no frequency). This sequence change replaces valine with alanine at codon 530 of the ATR protein (p.Val530Ala). The valine residue is moderately conserved and there is a small physicochemical difference between valine and alanine.

NM_001184.4(ATR):c.1589T>C (p.Val530Ala)

Gene: ATR (ATR checkpoint kinase; minus strand). Cytogenetic location: 3q23.
Variant type: single nucleotide variant.
Coding change: c.1589T>C on transcript NM_001184.4 (MANE Select); coding-DNA position 1589, T replaced by C.
Protein change: p.Val530Ala; replaces valine 530 with alanine.
Molecular consequence: missense variant.
Genome position (GRCh38, 1-based): chr3:142,559,394, A>G on the plus strand (T>C on the coding strand, the complement: ATR is on the minus strand). VCF-style: chr3-142559394-A-G. GRCh37 (hg19) VCF-style: chr3-142278236-A-G.
Other names: c.1397T>C, p.Val466Ala (NM_001354579.2); short protein forms V466A, V530A.
Identifiers: ClinVar variation 1355488 (VCV001355488.10), dbSNP rs2108480297, ClinGen allele CA354822383.